The following is an entry in ClinVar:

ClinVar aggregate classification (germline): Uncertain significance (1 of 4 stars; one submission).

Submission:

GeneDx
Classification: Uncertain significance. Last evaluated: 2019-08-16. Review status: criteria provided, single submitter. Criteria: GeneDx Variant Classification Process June 2021. Collection method: clinical testing. Allele origin: germline. Affected: yes.
Comment: Has not been previously published as pathogenic or benign to our knowledge; Not observed in large population cohorts (Lek et al., 2016); In silico analysis, which includes protein predictors and evolutionary conservation, supports that this variant does not alter protein structure/function

NM_000393.5(COL5A2):c.3116C>G (p.Ser1039Cys)

Gene: COL5A2 (collagen type V alpha 2 chain; minus strand). Cytogenetic location: 2q32.2.
Variant type: single nucleotide variant.
Coding change: c.3116C>G on transcript NM_000393.5 (MANE Select); coding-DNA position 3116, C replaced by G.
Protein change: p.Ser1039Cys; replaces serine 1039 with cysteine.
Molecular consequence: missense variant.
Genome position (GRCh38, 1-based): chr2:189,049,378, G>C on the plus strand (C>G on the coding strand, the complement: COL5A2 is on the minus strand). VCF-style: chr2-189049378-G-C. GRCh37 (hg19) VCF-style: chr2-189914104-G-C.
Other names: short protein forms S1039C.
Identifiers: ClinVar variation 1308003 (VCV001308003.2), dbSNP rs1367927256, ClinGen allele CA349865354.